The following is an entry in ClinVar:

NM_017491.5(WDR1):c.1405G>A (p.Val469Ile)

Gene: WDR1 (WD repeat domain 1; minus strand). Cytogenetic location: 4p16.1.
Variant type: single nucleotide variant.
Coding change: c.1405G>A on transcript NM_017491.5 (MANE Select); coding-DNA position 1405, G replaced by A.
Protein change: p.Val469Ile; replaces valine 469 with isoleucine.
Molecular consequence: missense variant.
Genome position (GRCh38, 1-based): chr4:10,077,917, C>T on the plus strand (G>A on the coding strand, the complement: WDR1 is on the minus strand). VCF-style: chr4-10077917-C-T. GRCh37 (hg19) VCF-style: chr4-10079541-C-T.
Other names: c.985G>A, p.Val329Ile (NM_005112.5); c.1405G>A (NM_017491.3); short protein forms V329I, V469I.
Identifiers: ClinVar variation 2498950 (VCV002498950.29), dbSNP rs748160783, ClinGen allele CA2857563.

ClinVar aggregate classification (germline): Uncertain significance. Review status: criteria provided, multiple submitters, no conflicts (2 of 4 stars). 2 submissions from 2 submitters: Uncertain significance (2). Last evaluated 2024-12-05.

Conditions:
Inborn genetic diseases. Identifiers: MedGen C0950123, MeSH D030342.

Allele frequency attached by ClinVar (database versions not stated): gnomAD exomes 0.00001; TOPMed 0.00001; ExAC 0.00003.
gnomAD v4.1: 15 of 1,605,646 alleles (0.00093%); highest among the groups gnomAD compares: African/African-American, 0.0053%; no homozygotes.

Submissions (2):

Ambry Genetics
Classification: Uncertain significance for Inborn genetic diseases. Last evaluated: 2024-12-05. Review status: criteria provided, single submitter. Criteria: Ambry Variant Classification Scheme 2023. Collection method: clinical testing. Allele origin: germline.

CeGaT Center for Human Genetics Tuebingen
Classification: Uncertain significance. Last evaluated: 2023-01-01. Review status: criteria provided, single submitter. Criteria: CeGaT Center For Human Genetics Tuebingen Variant Classification Criteria Version 2. Collection method: clinical testing. Allele origin: germline. Affected: yes. Observed: 1 variant allele.
Comment: WDR1: PM2, BP4